The following is an entry in ClinVar:

NM_000747.3(CHRNB1):c.*733G>A

Gene: CHRNB1 (cholinergic receptor nicotinic beta 1 subunit; plus strand). Cytogenetic location: 17p13.1.
Variant type: single nucleotide variant.
Coding change: c.*733G>A on transcript NM_000747.3 (MANE Select); 733 bases downstream of the stop codon, G replaced by A.
Molecular consequence: 3 prime UTR variant.
Genome position (GRCh38, 1-based): chr17:7,457,456, G>A. VCF-style: chr17-7457456-G-A. GRCh37 (hg19) VCF-style: chr17-7360775-G-A.
Identifiers: ClinVar variation 1694816 (VCV001694816.31), dbSNP rs138576579, ClinGen allele CA287433984.

ClinVar aggregate classification (germline): Benign (1 of 4 stars; one submission).

Allele frequency attached by ClinVar (database versions not stated): gnomAD 0.00133 and 0.00140; TOPMed 0.00167; 1000 Genomes Project 0.00240; 1000 Genomes Project 30x 0.00250.

Submission:

CeGaT Center for Human Genetics Tuebingen
Classification: Benign. Last evaluated: 2022-05-01. Review status: criteria provided, single submitter. Criteria: CeGaT Center For Human Genetics Tuebingen Variant Classification Criteria Version 2. Collection method: clinical testing. Allele origin: germline. Affected: yes. Observed: 1 variant allele.
Comment: CHRNB1: BS1, BS2